The following is an entry in ClinVar:

NM_005094.4(SLC27A4):c.877+2T>G

Gene: SLC27A4 (solute carrier family 27 member 4; plus strand). Cytogenetic location: 9q34.11.
Variant type: single nucleotide variant.
Coding change: c.877+2T>G on transcript NM_005094.4 (MANE Select); the canonical splice donor site of the intron after coding-DNA position 877, T replaced by G.
Molecular consequence: splice donor variant.
Genome position (GRCh38, 1-based): chr9:128,350,577, T>G. VCF-style: chr9-128350577-T-G. GRCh37 (hg19) VCF-style: chr9-131112856-T-G.
Identifiers: ClinVar variation 2752321 (VCV002752321.3), dbSNP rs1588560194, ClinGen allele CA375033188.
Genomic context (GRCh38, chr9:128,350,577, plus strand): 5'-ATTCCGCATGCGGCCCAACGACATCGTCTATGACTGCCTCCCCCTCTACCACTCAGCAGG[T>G]AACTCTAGGGCTGTCACACAGCCTCCAGCACCTGCCAGGTCTCTAGGAACCCCACCCCCA-3'

ClinVar aggregate classification (germline): Likely pathogenic (1 of 4 stars; one submission).

Submission:

Labcorp Genetics (formerly Invitae), Labcorp
Classification: Likely pathogenic. Last evaluated: 2023-12-11. Review status: criteria provided, single submitter. Criteria: Invitae Variant Classification Sherloc (09022015). Collection method: clinical testing. Allele origin: germline.
Comment: This sequence change affects a donor splice site in intron 6 of the SLC27A4 gene. It is expected to disrupt RNA splicing. Variants that disrupt the donor or acceptor splice site typically lead to a loss of protein function (PMID: 16199547), and loss-of-function variants in SLC27A4 are known to be pathogenic (PMID: 19631310, 21450060). This variant is not present in population databases (gnomAD no frequency). This variant has not been reported in the literature in individuals affected with SLC27A4-related conditions. Algorithms developed to predict the effect of sequence changes on RNA splicing suggest that this variant may disrupt the consensus splice site. In summary, the currently available evidence indicates that the variant is pathogenic, but additional data are needed to prove that conclusively. Therefore, this variant has been classified as Likely Pathogenic.

Literature cited by the submitters: PubMed 16199547; PubMed 19631310; PubMed 21450060.